The following is an entry in ClinVar:

ClinVar aggregate classification (germline): Uncertain significance (1 of 4 stars; one submission).

gnomAD v4.1: 3 of 1,614,188 alleles (0.00019%); highest among the groups gnomAD compares: Non-Finnish European, 0.00025%; no homozygotes.

Submission:

GeneDx
Classification: Uncertain significance. Last evaluated: 2026-02-21. Review status: criteria provided, single submitter. Criteria: GeneDx Variant Classification Process June 2021. Collection method: clinical testing. Allele origin: germline.
Comment: Not observed at significant frequency in large population cohorts (gnomAD); In silico analysis supports that this missense variant has a deleterious effect on protein structure/function; Has not been previously published as pathogenic or benign to our knowledge

NM_004519.4(KCNQ3):c.1381C>G (p.Pro461Ala)

Gene: KCNQ3 (potassium voltage-gated channel subfamily Q member 3; minus strand). Cytogenetic location: 8q24.22.
Variant type: single nucleotide variant.
Coding change: c.1381C>G on transcript NM_004519.4 (MANE Select); coding-DNA position 1381, C replaced by G.
Protein change: p.Pro461Ala; replaces proline 461 with alanine.
Molecular consequence: missense variant.
Genome position (GRCh38, 1-based): chr8:132,141,213, G>C on the plus strand (C>G on the coding strand, the complement: KCNQ3 is on the minus strand). VCF-style: chr8-132141213-G-C. GRCh37 (hg19) VCF-style: chr8-133153460-G-C.
Other names: c.1021C>G, p.Pro341Ala (NM_001204824.2); short protein forms P341A, P461A.
Identifiers: ClinVar variation 5009895 (VCV005009895.1).
Genomic context (GRCh38, chr8:132,141,213, plus strand): 5'-AGGCTTTCATGCGGAAGGCCGTGCGGAAACGCTCTTTATTGTTTAAGCCAACAGGCTTTG[G>C]TTCTTTAGAAGGACTTTCTTCTATGGCATCTACATTCAGAGGGGTAAATAGCTTTCCTTT-3'
Protein context (NP_004510.1, residues 451-471): DAIEESPSKE[Pro461Ala]KPVGLNNKER